The following is an entry in ClinVar:

ClinVar aggregate classification (germline): Uncertain significance. Review status: criteria provided, multiple submitters, no conflicts (2 of 4 stars). 7 submissions from 7 submitters: Uncertain significance (6). 1 of the submissions does not count toward it. Last evaluated 2022-06-18.

Conditions:
Amyotrophic lateral sclerosis type 11 (ALS11). Identifiers: Orphanet 803, MedGen C2675491, MONDO:0012945, OMIM 612577.
Yunis-Varon syndrome (YVS). Also called: Cleidocranial dysplasia, micrognathia, absent thumbs, & distal aphalangia. Identifiers: Orphanet 3472, MedGen C1857663, MONDO:0008995, OMIM 216340.
Bilateral parasagittal parieto-occipital polymicrogyria. Also called: Polymicrogyria, bilateral temporooccipital. Identifiers: Orphanet 208441, MedGen C4013648, MONDO:0012986, OMIM 612691.
Charcot-Marie-Tooth disease type 4J (CMT4J). Also called: Charcot-Marie-Tooth Neuropathy Type 4J; CHARCOT-MARIE-TOOTH DISEASE, AUTOSOMAL RECESSIVE, TYPE 4J; CHARCOT-MARIE-TOOTH DISEASE, DEMYELINATING, TYPE 4J. Identifiers: Orphanet 139515, MedGen C1970011, MONDO:0012640, OMIM 611228.
Charcot-Marie-Tooth disease type 4. Also called: Charcot-Marie-Tooth disease, type IV; Charcot-Marie-Tooth, Type 4. Identifiers: Orphanet 64749, MedGen C4082197, MONDO:0018995.
FIG4-related disorder. Also called: FIG4-related condition; FIG4-related disorders.
Inborn genetic diseases. Identifiers: MedGen C0950123, MeSH D030342.

Allele frequency attached by ClinVar (database versions not stated): gnomAD 0.00001 and 0.00002; TOPMed 0.00003; ESP Exome Variant Server 0.00008.
gnomAD v4.1: 134 of 1,579,100 alleles (0.0085%); highest among the groups gnomAD compares: Non-Finnish European, 0.011%; no homozygotes.

Submissions (7):

Labcorp Genetics (formerly Invitae), Labcorp
Classification: Uncertain significance for Charcot-Marie-Tooth disease type 4. Last evaluated: 2022-06-18. Review status: criteria provided, single submitter. Criteria: Invitae Variant Classification Sherloc (09022015). Collection method: clinical testing. Allele origin: germline.
Comment: This sequence change replaces phenylalanine, which is neutral and non-polar, with serine, which is neutral and polar, at codon 815 of the FIG4 protein (p.Phe815Ser). This variant is present in population databases (rs375414729, gnomAD 0.009%). This missense change has been observed in individual(s) with Charcot-Marie-Tooth disease (PMID: 32376792). ClinVar contains an entry for this variant (Variation ID: 804806). Algorithms developed to predict the effect of missense changes on protein structure and function (SIFT, PolyPhen-2, Align-GVGD) all suggest that this variant is likely to be tolerated. In summary, the available evidence is currently insufficient to determine the role of this variant in disease. Therefore, it has been classified as a Variant of Uncertain Significance.

Athena Diagnostics
Classification: Uncertain significance. Last evaluated: 2022-03-30. Review status: criteria provided, single submitter. Criteria: Athena Diagnostics Criteria. Collection method: clinical testing. Allele origin: unknown.

Baylor Genetics
Classification: Uncertain significance for Charcot-Marie-Tooth disease type 4J. Last evaluated: 2022-02-28. Review status: criteria provided, single submitter. Criteria: ACMG Guidelines, 2015. Collection method: clinical testing. Allele origin: unknown.

Fulgent Genetics
Classification: Uncertain significance for Yunis-Varon syndrome; Charcot-Marie-Tooth disease type 4J; Amyotrophic lateral sclerosis type 11; Bilateral parasagittal parieto-occipital polymicrogyria. Last evaluated: 2021-12-14. Review status: criteria provided, single submitter. Criteria: ACMG Guidelines, 2015. Collection method: clinical testing. Allele origin: unknown.

Mayo Clinic Laboratories, Mayo Clinic
Classification: Uncertain significance. Last evaluated: 2021-06-08. Review status: criteria provided, single submitter. Criteria: ACMG Guidelines, 2015. Collection method: clinical testing. Allele origin: germline.

Ambry Genetics
Classification: Uncertain significance for Inborn genetic diseases. Last evaluated: 2020-07-17. Review status: criteria provided, single submitter. Criteria: Ambry Variant Classification Scheme 2023. Collection method: clinical testing. Allele origin: germline.
Comment: The p.F815S variant (also known as c.2444T>C), located in coding exon 21 of the FIG4 gene, results from a T to C substitution at nucleotide position 2444. The phenylalanine at codon 815 is replaced by serine, an amino acid with highly dissimilar properties. Among a cohort of 391 patients with amyotrophic lateral sclerosis (ALS), this alteration was reported in one patient with sporadic ALS but was also present in population databases (Cady J et al. Ann. Neurol., 2015 Jan;77:100-13). This amino acid position is poorly conserved in available vertebrate species. In addition, this alteration is predicted to be tolerated by in silico analysis. Since supporting evidence is limited at this time, the clinical significance of this alteration remains unclear.

PreventionGenetics, part of Exact Sciences
Classification: Uncertain significance for FIG4-related condition. Last evaluated: 2024-02-22. Review status: no assertion criteria provided. Collection method: clinical testing. Allele origin: germline. Not counted in ClinVar's aggregate classification.
Comment: The FIG4 c.2444T>C variant is predicted to result in the amino acid substitution p.Phe815Ser. This variant has been reported in an individual with amyotrophic lateral sclerosis and in an individual with Charcot-Marie-Tooth disease; however, pathogenicity was not established in either study (Table 2, Cady J et al. 2015. PubMed ID: 25382069; Supplementary table 2, Volodarsky M et al. 2020. PubMed ID: 32376792). This variant is reported in 0.0078% of alleles in individuals of European (Non-Finnish) descent in gnomAD. At this time, the clinical significance of this variant is uncertain due to the absence of conclusive functional and genetic evidence.

Literature cited by the submitters: PubMed 32376792 (cited by Labcorp Genetics (formerly Invitae), Labcorp and Athena Diagnostics); PubMed 25382069 (cited by Athena Diagnostics and Ambry Genetics); PubMed 34426522 (cited by Athena Diagnostics).

NM_014845.6(FIG4):c.2444T>C (p.Phe815Ser)

Gene: FIG4 (FIG4 phosphoinositide 5-phosphatase; plus strand). Cytogenetic location: 6q21.
Variant type: single nucleotide variant.
Coding change: c.2444T>C on transcript NM_014845.6 (MANE Select); coding-DNA position 2444, T replaced by C.
Protein change: p.Phe815Ser; replaces phenylalanine 815 with serine.
Molecular consequence: missense variant.
Genome position (GRCh38, 1-based): chr6:109,792,649, T>C. VCF-style: chr6-109792649-T-C. GRCh37 (hg19) VCF-style: chr6-110113852-T-C.
Other names: p.Phe815Ser; short protein forms F815S.
Identifiers: ClinVar variation 804806 (VCV000804806.13), dbSNP rs375414729, ClinGen allele CA3956395.